The following is an entry in ClinVar:

ClinVar aggregate classification (germline): Uncertain significance (1 of 4 stars; one submission).

Allele frequency attached by ClinVar (database versions not stated): gnomAD exomes below 0.00001; ExAC 0.00002.
gnomAD v4.1: 1 of 1,614,132 alleles (0.000062%); highest among the groups gnomAD compares: Admixed American, 0.0017%; no homozygotes.

Submission:

Labcorp Genetics (formerly Invitae), Labcorp
Classification: Uncertain significance. Last evaluated: 2022-08-18. Review status: criteria provided, single submitter. Criteria: Invitae Variant Classification Sherloc (09022015). Collection method: clinical testing. Allele origin: germline.
Comment: This sequence change replaces serine, which is neutral and polar, with phenylalanine, which is neutral and non-polar, at codon 375 of the WDR62 protein (p.Ser375Phe). In summary, the available evidence is currently insufficient to determine the role of this variant in disease. Therefore, it has been classified as a Variant of Uncertain Significance. Algorithms developed to predict the effect of missense changes on protein structure and function are either unavailable or do not agree on the potential impact of this missense change (SIFT: "Tolerated"; PolyPhen-2: "Probably Damaging"; Align-GVGD: "Class C0"). This variant has not been reported in the literature in individuals affected with WDR62-related conditions. This variant is present in population databases (rs775055097, gnomAD 0.006%).

NM_001083961.2(WDR62):c.1124C>T (p.Ser375Phe)

Gene: WDR62 (WD repeat domain 62; plus strand). Cytogenetic location: 19q13.12.
Variant type: single nucleotide variant.
Coding change: c.1124C>T on transcript NM_001083961.2 (MANE Select); coding-DNA position 1124, C replaced by T.
Protein change: p.Ser375Phe; replaces serine 375 with phenylalanine.
Molecular consequence: missense variant.
Genome position (GRCh38, 1-based): chr19:36,073,422, C>T. VCF-style: chr19-36073422-C-T. GRCh37 (hg19) VCF-style: chr19-36564324-C-T.
Other names: c.1109C>T, p.Ser370Phe (NM_001411145.1); c.1124C>T, p.Ser375Phe (NM_001411146.1, NM_173636.5); short protein forms S375F, S370F.
Identifiers: ClinVar variation 1928373 (VCV001928373.5), dbSNP rs775055097, ClinGen allele CA9395490.